The following is an entry in ClinVar:

NM_000091.5(COL4A3):c.*2452T>C

Genes: COL4A3 (collagen type IV alpha 3 chain; plus strand), MFF-DT (MFF divergent transcript; minus strand). Cytogenetic location: 2q36.3.
Variant type: single nucleotide variant.
Coding change: c.*2452T>C on transcript NM_000091.5 (MANE Select); 2452 bases downstream of the stop codon, T replaced by C.
Molecular consequence: 3 prime UTR variant.
Genome position (GRCh38, 1-based): chr2:227,314,322, T>C. VCF-style: chr2-227314322-T-C. GRCh37 (hg19) VCF-style: chr2-228179038-T-C.
Identifiers: ClinVar variation 334825 (VCV000334825.6), dbSNP rs4470338, ClinGen allele CA10613036.

ClinVar aggregate classification (germline): Benign. Review status: criteria provided, multiple submitters, no conflicts (2 of 4 stars). 2 submissions from 2 submitters: Benign (2). Last evaluated 2018-01-12.

Conditions:
Alport syndrome. Also called: Hemorrhagic familial nephritis; Hemorrhagic hereditary nephritis; Congenital hereditary hematuria. Identifiers: Orphanet 63, MedGen C1567741, MONDO:0018965.

Allele frequency attached by ClinVar (database versions not stated): 1000 Genomes Project 0.15455; 1000 Genomes Project 30x 0.15896; TOPMed 0.19769; gnomAD 0.19841 and 0.20330; gnomAD exomes 0.24155.
gnomAD v4.1: 30,243 of 152,574 alleles (20%); highest among the groups gnomAD compares: African/African-American, 24%; 3,037 homozygotes.

Submissions (2):

Illumina Laboratory Services, Illumina
Classification: Benign for Alport syndrome. Last evaluated: 2018-01-12. Review status: criteria provided, single submitter. Criteria: ICSL Variant Classification Criteria 13 December 2019. Collection method: clinical testing. Allele origin: germline.
Comment: This variant was observed in the ICSL laboratory as part of a predisposition screen in an ostensibly healthy population. It had not been previously curated by ICSL or reported in the Human Gene Mutation Database (HGMD: prior to June 1st, 2018), and was therefore a candidate for classification through an automated scoring system. Utilizing variant allele frequency, disease prevalence and penetrance estimates, and inheritance mode, an automated score was calculated to assess if this variant is too frequent to cause the disease. Based on the score and internal cut-off values, a variant classified as benign is not then subjected to further curation. The score for this variant resulted in a classification of benign for this disease.

Breakthrough Genomics
Classification: Benign. Review status: criteria provided, single submitter. Criteria: ACMG Guidelines, 2015. Collection method: not provided. Allele origin: germline. Inheritance: Autosomal recessive inheritance. Affected: yes.